The following is an entry in ClinVar:

NM_006231.4(POLE):c.5314G>A (p.Gly1772Ser)

Gene: POLE (DNA polymerase epsilon, catalytic subunit; minus strand). Cytogenetic location: 12q24.33.
Variant type: single nucleotide variant.
Coding change: c.5314G>A on transcript NM_006231.4 (MANE Select); coding-DNA position 5314, G replaced by A.
Protein change: p.Gly1772Ser; replaces glycine 1772 with serine.
Molecular consequence: missense variant.
Genome position (GRCh38, 1-based): chr12:132,641,711, C>T on the plus strand (G>A on the coding strand, the complement: POLE is on the minus strand). VCF-style: chr12-132641711-C-T. GRCh37 (hg19) VCF-style: chr12-133218297-C-T.
Other names: short protein forms G1772S.
Identifiers: ClinVar variation 3308379 (VCV003308379.2).
Genomic context (GRCh38, chr12:132,641,711, plus strand): 5'-AGGTGTTAGAGCACAGGGCTGTCTCATCGTAGCTGGCCGGGGCACTGGCAGCCTGACCAC[C>T]CGTGATCATGTCCTCCAGGGAGGCCTGCTGGATCACGTCGAAGCTGATCCCCATGCTGTC-3'
Protein context (NP_006222.2, residues 1762-1782): QQASLEDMIT[Gly1772Ser]GQAASAPASY

ClinVar aggregate classification (germline): Uncertain significance. Review status: criteria provided, multiple submitters, no conflicts (2 of 4 stars). 2 submissions from 2 submitters: Uncertain significance (2). Last evaluated 2025-02-26.

Conditions:
Hereditary cancer-predisposing syndrome. Also called: Neoplastic Syndromes, Hereditary; Tumor predisposition; Hereditary neoplastic syndrome; Hereditary Cancer Syndrome. Identifiers: Orphanet 140162, MedGen C0027672, MeSH D009386, MONDO:0015356.

Submissions (2):

Labcorp Genetics (formerly Invitae), Labcorp
Classification: Uncertain significance. Last evaluated: 2025-02-26. Review status: criteria provided, single submitter. Criteria: Invitae Variant Classification Sherloc (09022015). Collection method: clinical testing. Allele origin: germline.
Comment: This sequence change replaces glycine, which is neutral and non-polar, with serine, which is neutral and polar, at codon 1772 of the POLE protein (p.Gly1772Ser). This variant is not present in population databases (gnomAD no frequency). This variant has not been reported in the literature in individuals affected with POLE-related conditions. ClinVar contains an entry for this variant (Variation ID: 3308379). An algorithm developed to predict the effect of missense changes on protein structure and function (PolyPhen-2) suggests that this variant is likely to be disruptive. In summary, the available evidence is currently insufficient to determine the role of this variant in disease. Therefore, it has been classified as a Variant of Uncertain Significance.

Ambry Genetics
Classification: Uncertain significance for Hereditary cancer-predisposing syndrome. Last evaluated: 2024-04-14. Review status: criteria provided, single submitter. Criteria: Ambry Variant Classification Scheme 2023. Collection method: clinical testing. Allele origin: germline.
Comment: The p.G1772S variant (also known as c.5314G>A), located in coding exon 39 of the POLE gene, results from a G to A substitution at nucleotide position 5314. The glycine at codon 1772 is replaced by serine, an amino acid with similar properties. This amino acid position is conserved. In addition, the in silico prediction for this alteration is inconclusive. Based on the available evidence, the clinical significance of this variant remains unclear.